The following is an entry in ClinVar:

NM_001363711.2(DUOX2):c.2101C>T (p.Arg701Ter)

Gene: DUOX2 (dual oxidase 2; minus strand). Cytogenetic location: 15q21.1.
Variant type: single nucleotide variant.
Coding change: c.2101C>T on transcript NM_001363711.2 (MANE Select); coding-DNA position 2101, C replaced by T.
Protein change: p.Arg701Ter; replaces arginine 701 with a stop codon.
Molecular consequence: nonsense.
Genome position (GRCh38, 1-based): chr15:45,106,172, G>A on the plus strand (C>T on the coding strand, the complement: DUOX2 is on the minus strand). VCF-style: chr15-45106172-G-A. GRCh37 (hg19) VCF-style: chr15-45398370-G-A.
Other names: c.2101C>T, p.Arg701Ter (NM_014080.5); short protein forms R701*.
Identifiers: ClinVar variation 1071547 (VCV001071547.17), dbSNP rs201109959, ClinGen allele CA7538388.

ClinVar aggregate classification (germline): Pathogenic/Likely pathogenic. Review status: criteria provided, multiple submitters, no conflicts (2 of 4 stars). 7 submissions from 7 submitters: Pathogenic (6); Likely pathogenic (1). Last evaluated 2025-11-03.

Conditions:
DUOX2-related disorders.
Thyroid dyshormonogenesis 6 (TDH6). Also called: THYROID HORMONOGENESIS, GENETIC DEFECT IN, 6; Genetic transient congenital hypothyroidism; HYPOTHYROIDISM, CONGENITAL, DUE TO DYSHORMONOGENESIS, 6. Identifiers: Orphanet 226316, Orphanet 95716, MedGen C1846632, MONDO:0011792, OMIM 607200.

Allele frequency attached by ClinVar (database versions not stated): gnomAD 0.00002 and 0.00005; TOPMed 0.00002.
gnomAD v4.1: 47 of 1,614,176 alleles (0.0029%); highest among the groups gnomAD compares: South Asian, 0.021%; no homozygotes.

Submissions (7):

Labcorp Genetics (formerly Invitae), Labcorp
Classification: Pathogenic. Last evaluated: 2025-11-03. Review status: criteria provided, single submitter. Criteria: Invitae Variant Classification Sherloc (09022015). Collection method: clinical testing. Allele origin: germline.
Comment: This sequence change creates a premature translational stop signal (p.Arg701*) in the DUOX2 gene. It is expected to result in an absent or disrupted protein product. Loss-of-function variants in DUOX2 are known to be pathogenic (PMID: 12110737, 18765513, 21565790, 24423310, 24735383). This variant is present in population databases (rs201109959, gnomAD 0.02%). This premature translational stop signal has been observed in individuals with congenital hypothyroidism (PMID: 12110737, 27557340). ClinVar contains an entry for this variant (Variation ID: 1071547). For these reasons, this variant has been classified as Pathogenic.

3billion
Classification: Pathogenic for Thyroid dyshormonogenesis 6. Last evaluated: 2025-09-17. Review status: criteria provided, single submitter. Criteria: ACMG Guidelines, 2015. Collection method: clinical testing. Allele origin: germline. Affected: yes.
Comment: The variant is observed at an extremely low frequency in the gnomAD v4.1.0 dataset (total allele frequency: 0.003%). Predicted Consequence/Location: Stop-gained (nonsense): predicted to result in a loss or disruption of normal protein function through nonsense-mediated decay (NMD) or protein truncation. Multiple pathogenic variants are reported downstream of the variant. The variant has been reported at least twice as pathogenic with clinical assertions and evidence for the classification (ClinVar ID: VCV001071547 /PMID: 12110737). Therefore, this variant is classified as Pathogenic according to the recommendation of ACMG/AMP guideline.

Genetics and Genomic Medicine Centre, NeuroGen Healthcare, NeuroGen Healthcare
Classification: Pathogenic for Thyroid dyshormonogenesis 6. Last evaluated: 2024-07-30. Review status: criteria provided, single submitter. Criteria: ACMG Guidelines, 2015. Collection method: clinical testing. Allele origin: unknown. Affected: no.

Fulgent Genetics
Classification: Pathogenic for Thyroid dyshormonogenesis 6. Last evaluated: 2024-04-09. Review status: criteria provided, single submitter. Criteria: ACMG Guidelines, 2015. Collection method: clinical testing. Allele origin: germline.

Revvity Omics, Revvity
Classification: Pathogenic for Thyroid dyshormonogenesis 6. Last evaluated: 2021-12-02. Review status: criteria provided, single submitter. Criteria: ACMG Guidelines, 2015. Collection method: clinical testing. Allele origin: germline.

Blueprint Genetics
Classification: Likely pathogenic for DUOX2-related disorders. Last evaluated: 2017-06-12. Review status: criteria provided, single submitter. Criteria: ACMG Guidelines, 2015. Collection method: clinical testing. Allele origin: germline. Affected: yes. Observed: 2 variant alleles.

Juno Genomics, Hangzhou Juno Genomics, Inc
Classification: Pathogenic for Thyroid dyshormonogenesis 6. Review status: criteria provided, single submitter. Criteria: ACMG Guidelines, 2015. Collection method: clinical testing. Allele origin: germline.
Comment: Absent from controls (or at extremely low frequency if recessive) in Genome Aggregation Database.;Null variant in a gene where loss of function (LOF) is a known mechanism of disease.;For recessive disorders, detected in trans with a pathogenic variant.;Patient's phenotype or family history is highly specific for a disease with a single genetic etiology.

Literature cited by the submitters: PubMed 12110737 (cited by Labcorp Genetics (formerly Invitae), Labcorp and 3billion); PubMed 18765513 (cited by Labcorp Genetics (formerly Invitae), Labcorp); PubMed 21565790 (cited by Labcorp Genetics (formerly Invitae), Labcorp); PubMed 24423310 (cited by Labcorp Genetics (formerly Invitae), Labcorp); PubMed 24735383 (cited by Labcorp Genetics (formerly Invitae), Labcorp); PubMed 27557340 (cited by Labcorp Genetics (formerly Invitae), Labcorp).